The following is an entry in ClinVar:

ClinVar aggregate classification (germline): Conflicting classifications of pathogenicity. Review status: criteria provided, conflicting classifications (1 of 4 stars). 2 submissions from 2 submitters: Uncertain significance (1); Likely benign (1). Last evaluated 2025-03-05.

Conditions:
Inborn genetic diseases. Identifiers: MedGen C0950123, MeSH D030342.
Left ventricular noncompaction 8 (LVNC8). Identifiers: Orphanet 154, Orphanet 54260, MedGen C3809288, MONDO:0014152, OMIM 615373.

Allele frequency attached by ClinVar (database versions not stated): gnomAD exomes below 0.00001; gnomAD 0.00004; TOPMed 0.00006.
gnomAD v4.1: 10 of 1,613,898 alleles (0.00062%); highest among the groups gnomAD compares: Admixed American, 0.012%; no homozygotes.

Submissions (2):

Labcorp Genetics (formerly Invitae), Labcorp
Classification: Uncertain significance for Left ventricular noncompaction 8. Last evaluated: 2025-03-05. Review status: criteria provided, single submitter. Criteria: Invitae Variant Classification Sherloc (09022015). Collection method: clinical testing. Allele origin: germline.
Comment: This sequence change replaces serine, which is neutral and polar, with proline, which is neutral and non-polar, at codon 1253 of the PRDM16 protein (p.Ser1253Pro). This variant is present in population databases (no rsID available, gnomAD 0.003%). This variant has not been reported in the literature in individuals affected with PRDM16-related conditions. ClinVar contains an entry for this variant (Variation ID: 664859). An algorithm developed to predict the effect of missense changes on protein structure and function outputs the following: PolyPhen-2: "Benign". The proline amino acid residue is found in multiple mammalian species, which suggests that this missense change does not adversely affect protein function. In summary, the available evidence is currently insufficient to determine the role of this variant in disease. Therefore, it has been classified as a Variant of Uncertain Significance.

Ambry Genetics
Classification: Likely benign for Inborn genetic diseases. Last evaluated: 2024-03-01. Review status: criteria provided, single submitter. Criteria: Ambry Variant Classification Scheme 2023. Collection method: clinical testing. Allele origin: germline.

NM_022114.4(PRDM16):c.3757T>C (p.Ser1253Pro)

Gene: PRDM16 (PR/SET domain 16; plus strand). Cytogenetic location: 1p36.32.
Variant type: single nucleotide variant.
Coding change: c.3757T>C on transcript NM_022114.4 (MANE Select); coding-DNA position 3757, T replaced by C.
Protein change: p.Ser1253Pro; replaces serine 1253 with proline.
Molecular consequence: missense variant.
Genome position (GRCh38, 1-based): chr1:3,433,737, T>C. VCF-style: chr1-3433737-T-C. GRCh37 (hg19) VCF-style: chr1-3350301-T-C.
Other names: c.3700T>C, p.Ser1234Pro (NM_199454.3); short protein forms S1253P, S1234P.
Identifiers: ClinVar variation 664859 (VCV000664859.9), dbSNP rs903199574, ClinGen allele CA16993329.